The following is an entry in ClinVar:

ClinVar aggregate classification (germline): Pathogenic. Review status: reviewed by expert panel (3 of 4 stars). 2 submissions from 2 submitters: Pathogenic (1). 1 of the submissions does not count toward it. Last evaluated 2023-12-09.

Conditions:
Hereditary thrombocytopenia and hematologic cancer predisposition syndrome. Identifiers: Orphanet 71290, MedGen CN281654, MONDO:0011071.
Hereditary thrombocytopenia and hematological cancer predisposition syndrome associated with RUNX1. Also called: PLATELET DISORDER, ASPIRIN-LIKE; RUNX1 Familial Platelet Disorder with Associated Myeloid Malignancies; Familial Platelet Disorder with Propensity to Acute Myelogenous Leukemia; Familial thrombocytopenia with propensity to acute myelogenous leukemia. Identifiers: Orphanet 71290, MedGen C1832388, MeSH C563324, MONDO:0100083, OMIM 601399.

Submissions (2):

ClinGen Myeloid Malignancy Variant Curation Expert Panel
Classification: Pathogenic for Hereditary thrombocytopenia and hematologic cancer predisposition syndrome. Last evaluated: 2023-12-09. Review status: reviewed by expert panel. Criteria: ClinGen MyeloMalig ACMG Specifications v2. Collection method: curation. Allele origin: germline. Inheritance: Autosomal dominant inheritance.
Comment: NM_001754.5(RUNX1):c.247dup (p.Ala83GlyfsTer?) is an insertion frameshift variant which results in a termination sequence 55 residues later. This variant is completely absent from all population databases with at least 20x coverage for RUNX1 (PM2_Supporting). This variant is a nonsense/frameshift variants that is downstream of c.98. This variant is predicted to undergo nonsense mediated decay in a gene in which loss-of-function is an established mechanism (frameshift (+) c.98-c.779 as per VCEP specifications) (PVS1). In summary, this variant meets criteria to be classified as pathogenic. ACMG/AMP criteria applied, as specified by the Myeloid Malignancy Variant Curation Expert Panel for RUNX1: PVS1, PM2_supporting, PM5_supporting.

Labcorp Genetics (formerly Invitae), Labcorp
Classification: Pathogenic for Hereditary thrombocytopenia and hematological cancer predisposition syndrome associated with RUNX1. Last evaluated: 2020-02-05. Review status: criteria provided, single submitter. Criteria: Invitae Variant Classification Sherloc (09022015). Collection method: clinical testing. Allele origin: germline. Not counted in ClinVar's aggregate classification.
Comment: This variant is not present in population databases (ExAC no frequency). For these reasons, this variant has been classified as Pathogenic. Loss-of-function variants in RUNX1 are known to be pathogenic (PMID: 18723428, 24100448). This variant has not been reported in the literature in individuals with RUNX1-related conditions. This sequence change creates a premature translational stop signal (p.Ala83Glyfs*55) in the RUNX1 gene. It is expected to result in an absent or disrupted protein product.

Literature cited by the submitters: PubMed 18723428 (cited by Labcorp Genetics (formerly Invitae), Labcorp); PubMed 24100448 (cited by Labcorp Genetics (formerly Invitae), Labcorp).

NM_001754.5(RUNX1):c.247dup (p.Ala83fs)

Gene: RUNX1 (RUNX family transcription factor 1; minus strand). Cytogenetic location: 21q22.12.
Variant type: Duplication.
Coding change: c.247dup on transcript NM_001754.5 (MANE Select); coding-DNA position 247, one base duplicated (G; older notation c.247dupG).
Protein change: p.Ala83fs; shifts the reading frame from alanine 83.
Molecular consequence: frameshift variant.
Genome position (GRCh38, 1-based): chr21:34,886,947, C duplicated on the plus strand (G on the coding strand, the reverse complement: RUNX1 is on the minus strand); the first of 2 consecutive C bases (chr21:34,886,947-34,886,948); duplicating either gives the same sequence. VCF-style (leftmost placement, unchanged base first): chr21-34886946-G-GC. GRCh37 (hg19) VCF-style: chr21-36259243-G-GC.
Other names: NM_001754.5(RUNX1):c.247dup; p.Ala83fs; c.166dup, p.Ala56fs (NM_001001890.3, NM_001122607.2); short protein forms A56fs, A83fs.
Identifiers: ClinVar variation 1073907 (VCV001073907.8), dbSNP rs2146410761, ClinGen allele CA2499225883.
Genomic context (GRCh38, chr21:34,886,946, plus strand): 5'-GGCAGCACGGAGCAGAGGAAGTTGGGGCTGTCGGTGCGCACCAGCTCGCCCGGGTGGTCG[G>GC]CCAGCACCTCCACCATGCTGCGGTCGCCGCTCCTCAGCTTGCCGGCCAGGGCAGCGCCGG-3'